The following is an entry in ClinVar:

NM_004364.5(CEBPA):c.605C>T (p.Ala202Val)

Gene: CEBPA (CCAAT enhancer binding protein alpha; minus strand). Cytogenetic location: 19q13.11.
Variant type: single nucleotide variant.
Coding change: c.605C>T on transcript NM_004364.5 (MANE Select); coding-DNA position 605, C replaced by T.
Protein change: p.Ala202Val; replaces alanine 202 with valine.
Molecular consequence: missense variant.
Genome position (GRCh38, 1-based): chr19:33,301,810, G>A on the plus strand (C>T on the coding strand, the complement: CEBPA is on the minus strand). VCF-style: chr19-33301810-G-A. GRCh37 (hg19) VCF-style: chr19-33792716-G-A.
Other names: c.248C>T, p.Ala83Val (NM_001285829.2); c.710C>T, p.Ala237Val (NM_001287424.2); c.563C>T, p.Ala188Val (NM_001287435.2); short protein forms A202V, A83V, A237V, A188V.
Identifiers: ClinVar variation 1501685 (VCV001501685.6), dbSNP rs1316179719, ClinGen allele CA405274595.
Genomic context (GRCh38, chr19:33,301,810, plus strand): 5'-GGCTGCAGGTGCATGGTGGTCTGGCCGCAGTGCGCGATCTGGAACTGCAGGTGCGGGGCG[G>A]CCAGGTGCGCGGGCGGCGGGTGCGGGTGCGGGTGCGAGGGCGGCGGCGGCGGCGGCGGCT-3'
Protein context (NP_004355.2, residues 192-212): PHPHPPPAHL[Ala202Val]APHLQFQIAH

ClinVar aggregate classification (germline): Uncertain significance (1 of 4 stars; one submission).

Conditions:
Acute myeloid leukemia (AML). Also called: Leukemia, acute myeloid, somatic; Leukemia, acute myelogenous, somatic; Acute myeloid leukemia, adult; AML adult; Acute non-lymphocytic leukemia; Acute granulocytic leukemia. Identifiers: Orphanet 519, MedGen C0023467, MeSH D015470, MONDO:0018874, OMIM 601626, HP:0004808. Disease mechanism: Constitutively activated FLT3.

Allele frequency attached by ClinVar (database versions not stated): gnomAD exomes below 0.00001.

Submission:

Labcorp Genetics (formerly Invitae), Labcorp
Classification: Uncertain significance for Acute myeloid leukemia. Last evaluated: 2025-08-07. Review status: criteria provided, single submitter. Criteria: Invitae Variant Classification Sherloc (09022015). Collection method: clinical testing. Allele origin: germline.
Comment: This sequence change replaces alanine, which is neutral and non-polar, with valine, which is neutral and non-polar, at codon 202 of the CEBPA protein (p.Ala202Val). The frequency data for this variant in the population databases is considered unreliable, as metrics indicate poor data quality at this position in the gnomAD database. This variant has not been reported in the literature in individuals affected with CEBPA-related conditions. ClinVar contains an entry for this variant (Variation ID: 1501685). Invitae Evidence Modeling of protein sequence and biophysical properties (such as structural, functional, and spatial information, amino acid conservation, physicochemical variation, residue mobility, and thermodynamic stability) indicates that this missense variant is not expected to disrupt CEBPA protein function with a negative predictive value of 80%. In summary, the available evidence is currently insufficient to determine the role of this variant in disease. Therefore, it has been classified as a Variant of Uncertain Significance.